The following is an entry in ClinVar:

NM_022455.5(NSD1):c.4651A>T (p.Lys1551Ter)

Gene: NSD1 (nuclear receptor binding SET domain protein 1; plus strand). Cytogenetic location: 5q35.3.
Variant type: single nucleotide variant.
Coding change: c.4651A>T on transcript NM_022455.5 (MANE Select); coding-DNA position 4651, A replaced by T.
Protein change: p.Lys1551Ter; replaces lysine 1551 with a stop codon.
Molecular consequence: nonsense.
Genome position (GRCh38, 1-based): chr5:177,251,739, A>T. VCF-style: chr5-177251739-A-T. GRCh37 (hg19) VCF-style: chr5-176678740-A-T.
Other names: c.3778A>T, p.Lys1260Ter (NM_001365684.2, NM_001409306.1, NM_001409307.1 and 3 more transcripts); c.4651A>T, p.Lys1551Ter (NM_001409301.1, NM_001409302.1, NM_001409303.1); c.4231A>T, p.Lys1411Ter (NM_001409304.1); c.3898A>T, p.Lys1300Ter (NM_001409305.1); short protein forms K1260*, K1411*, K1282*, K1300*, K1551*.
Identifiers: ClinVar variation 1742186 (VCV001742186.2), dbSNP rs2480641733, ClinGen allele CA362351474.

ClinVar aggregate classification (germline): Pathogenic (1 of 4 stars; one submission).

Conditions:
Inborn genetic diseases. Identifiers: MedGen C0950123, MeSH D030342.

Submission:

Ambry Genetics
Classification: Pathogenic for Inborn genetic diseases. Last evaluated: 2016-12-06. Review status: criteria provided, single submitter. Criteria: Ambry Variant Classification Scheme 2023. Collection method: clinical testing. Allele origin: germline.
Comment: The p.K1551* pathogenic mutation (also known as c.4651A>T), located in coding exon 11 of the NSD1 gene, results from an A to T substitution at nucleotide position 4651. This changes the amino acid from a lysine to a stop codon within coding exon 11. This alteration is expected to result in loss of function by premature protein truncation or nonsense-mediated mRNA decay. As such, this alteration is interpreted as a disease-causing mutation.